The following is an entry in ClinVar:

NM_012414.4(RAB3GAP2):c.2586A>G (p.Gln862=)

Gene: RAB3GAP2 (RAB3 GTPase activating non-catalytic protein subunit 2; minus strand). Cytogenetic location: 1q41.
Variant type: single nucleotide variant.
Coding change: c.2586A>G on transcript NM_012414.4 (MANE Select); coding-DNA position 2586, A replaced by G.
Protein change: p.Gln862=; no amino-acid change (glutamine 862 retained).
Molecular consequence: synonymous variant.
Genome position (GRCh38, 1-based): chr1:220,171,112, T>C on the plus strand (A>G on the coding strand, the complement: RAB3GAP2 is on the minus strand). VCF-style: chr1-220171112-T-C. GRCh37 (hg19) VCF-style: chr1-220344454-T-C.
Identifiers: ClinVar variation 1997091 (VCV001997091.4), dbSNP rs758946393, ClinGen allele CA423262043.

ClinVar aggregate classification (germline): Uncertain significance (1 of 4 stars; one submission).

Conditions:
Martsolf syndrome (MARTS). Also called: Congenital cataract with intellectual disability and hypogonadotropic hypogonadism syndrome. Identifiers: Orphanet 1387, MedGen C0796037, MONDO:0023910.
Warburg micro syndrome 2 (WARBM2). Also called: MICRO SYNDROME 2. Identifiers: Orphanet 2510, MedGen C3280214, MONDO:0013641, OMIM 614225.

Allele frequency attached by ClinVar (database versions not stated): gnomAD exomes below 0.00001; gnomAD 0.00001; TOPMed 0.00001.
gnomAD v4.1: 4 of 1,613,808 alleles (0.00025%); highest among the groups gnomAD compares: African/African-American, 0.0027%; no homozygotes.

Submission:

Labcorp Genetics (formerly Invitae), Labcorp
Classification: Uncertain significance for Martsolf syndrome; Warburg micro syndrome 2. Last evaluated: 2023-07-17. Review status: criteria provided, single submitter. Criteria: Invitae Variant Classification Sherloc (09022015). Collection method: clinical testing. Allele origin: germline.
Comment: This sequence change affects codon 862 of the RAB3GAP2 mRNA. It is a 'silent' change, meaning that it does not change the encoded amino acid sequence of the RAB3GAP2 protein. This variant is not present in population databases (gnomAD no frequency). In summary, the available evidence is currently insufficient to determine the role of this variant in disease. Therefore, it has been classified as a Variant of Uncertain Significance. Algorithms developed to predict the effect of sequence changes on RNA splicing suggest that this variant may disrupt the consensus splice site. ClinVar contains an entry for this variant (Variation ID: 1997091). This variant has not been reported in the literature in individuals affected with RAB3GAP2-related conditions.